The following is an entry in ClinVar:

ClinVar aggregate classification (germline): Likely pathogenic (1 of 4 stars; one submission).

Allele frequency attached by ClinVar (database versions not stated): gnomAD exomes below 0.00001.
gnomAD v4.1: 1 of 1,613,006 alleles (0.000062%); highest among the groups gnomAD compares: South Asian, 0.0011%; no homozygotes.

Submission:

CeGaT Center for Human Genetics Tuebingen
Classification: Likely pathogenic. Last evaluated: 2024-02-01. Review status: criteria provided, single submitter. Criteria: CeGaT Center For Human Genetics Tuebingen Variant Classification Criteria Version 2. Collection method: clinical testing. Allele origin: germline. Affected: yes. Observed: 1 variant allele.
Comment: NOTCH3: PM1:Strong, PM2, PS4:Supporting

NM_000435.3(NOTCH3):c.2228G>A (p.Cys743Tyr)

Gene: NOTCH3 (notch receptor 3; minus strand). Cytogenetic location: 19p13.12.
Variant type: single nucleotide variant.
Coding change: c.2228G>A on transcript NM_000435.3 (MANE Select); coding-DNA position 2228, G replaced by A.
Protein change: p.Cys743Tyr; replaces cysteine 743 with tyrosine.
Molecular consequence: missense variant.
Genome position (GRCh38, 1-based): chr19:15,185,325, C>T on the plus strand (G>A on the coding strand, the complement: NOTCH3 is on the minus strand). VCF-style: chr19-15185325-C-T. GRCh37 (hg19) VCF-style: chr19-15296136-C-T.
Other names: short protein forms C743Y.
Identifiers: ClinVar variation 3026520 (VCV003026520.22), dbSNP rs2145429508, ClinGen allele CA404521730.